The following is an entry in ClinVar:

NM_004453.4(ETFDH):c.1834C>T (p.Pro612Ser)

Gene: ETFDH (electron transfer flavoprotein dehydrogenase; plus strand). Cytogenetic location: 4q32.1.
Variant type: single nucleotide variant.
Coding change: c.1834C>T on transcript NM_004453.4 (MANE Select); coding-DNA position 1834, C replaced by T.
Protein change: p.Pro612Ser; replaces proline 612 with serine.
Molecular consequence: missense variant.
Genome position (GRCh38, 1-based): chr4:158,708,507, C>T. VCF-style: chr4-158708507-C-T. GRCh37 (hg19) VCF-style: chr4-159629659-C-T.
Other names: c.1693C>T, p.Pro565Ser (NM_001281737.2); c.1651C>T, p.Pro551Ser (NM_001281738.1); short protein forms P612S, P551S, P565S.
Identifiers: ClinVar variation 2012587 (VCV002012587.4), dbSNP rs1774704452, ClinGen allele CA358566956.

ClinVar aggregate classification (germline): Uncertain significance (1 of 4 stars; one submission).

Conditions:
Multiple acyl-CoA dehydrogenase deficiency (MADD). Also called: Glutaric Acidemia type 2; ETHYLMALONIC-ADIPICACIDURIA; GA II; Glutaric aciduria, type 2; Glutaric acidemia type II; GA 2. Identifiers: Orphanet 26791, MedGen C0268596, MONDO:0009282, OMIM 231680.

Submission:

Labcorp Genetics (formerly Invitae), Labcorp
Classification: Uncertain significance for Multiple acyl-CoA dehydrogenase deficiency. Last evaluated: 2022-09-13. Review status: criteria provided, single submitter. Criteria: Invitae Variant Classification Sherloc (09022015). Collection method: clinical testing. Allele origin: germline.
Comment: This sequence change replaces proline, which is neutral and non-polar, with serine, which is neutral and polar, at codon 612 of the ETFDH protein (p.Pro612Ser). In summary, the available evidence is currently insufficient to determine the role of this variant in disease. Therefore, it has been classified as a Variant of Uncertain Significance. Advanced modeling of protein sequence and biophysical properties (such as structural, functional, and spatial information, amino acid conservation, physicochemical variation, residue mobility, and thermodynamic stability) performed at Invitae indicates that this missense variant is expected to disrupt ETFDH protein function. This variant has not been reported in the literature in individuals affected with ETFDH-related conditions. This variant is not present in population databases (gnomAD no frequency).